The following is an entry in ClinVar:

ClinVar aggregate classification (germline): Conflicting classifications of pathogenicity. Review status: criteria provided, conflicting classifications (1 of 4 stars). 7 submissions from 7 submitters: Uncertain significance (4); Likely benign (1). 2 of the submissions do not count toward it. Last evaluated 2024-05-29.

Conditions:
Familial cancer of breast. Also called: BREAST CANCER, FAMILIAL; hereditary breast carcinoma; Hereditary breast cancer. Identifiers: Orphanet 227535, MedGen C0346153, MONDO:0016419, OMIM 114480. Disease mechanism: loss of function.
Fanconi anemia complementation group D1. Also called: BRCA2-Related Fanconi Anemia. Identifiers: Orphanet 319462, MedGen C1838457, MONDO:0011584, OMIM 605724.
Medulloblastoma (MDB). Also called: Medulloblastoma, somatic; MEDULLOBLASTOMA PREDISPOSITION SYNDROME. Identifiers: Orphanet 616, MedGen C0025149, MeSH D008527, MONDO:0007959, OMIM 155255, HP:0002885.
Breast-ovarian cancer, familial, susceptibility to, 2 (BROVCA2). Also called: BRCA2 Hereditary Breast and Ovarian Cancer. Identifiers: Orphanet 145, MedGen C2675520, MONDO:0012933, OMIM 612555. Disease mechanism: loss of function.
Wilms tumor 1 (WT1). Also called: Wilms tumor, somatic. Identifiers: Orphanet 654, MedGen CN033288, MONDO:0008679, OMIM 194070.
Glioma susceptibility 3 (GLM3). Also called: Glioblastoma 3. Identifiers: Orphanet 182067, Orphanet 360, MedGen C2751641, MONDO:0013093, OMIM 613029.
Pancreatic cancer, susceptibility to, 2. Identifiers: Orphanet 1333, MedGen C3150546, MONDO:0013235, OMIM 613347.
Familial prostate cancer. Also called: Hereditary Prostate Cancer. Identifiers: MedGen C2931456, MONDO:0700275, OMIM 176807.
Hereditary cancer-predisposing syndrome. Also called: Neoplastic Syndromes, Hereditary; Hereditary neoplastic syndrome; Hereditary Cancer Syndrome; Tumor predisposition. Identifiers: Orphanet 140162, MedGen C0027672, MeSH D009386, MONDO:0015356.
Hereditary breast ovarian cancer syndrome. Also called: Breast and ovarian cancer; Hereditary breast and/or ovarian cancer syndrome; Hereditary breast and ovarian cancer syndrome; Hereditary breast and ovarian cancer syndrome (HBOC); Hereditary breast and ovarian cancer; BRCA1- and BRCA2-Associated Hereditary Breast and Ovarian Cancer. Identifiers: Orphanet 145, MedGen C0677776, MeSH D061325, MONDO:0003582. Disease mechanism: loss of function.

Allele frequency attached by ClinVar (database versions not stated): gnomAD exomes below 0.00001; ExAC 0.00001.
gnomAD v4.1: 1 of 1,585,934 alleles (0.000063%); highest among the groups gnomAD compares: Admixed American, 0.0019%; no homozygotes.

Submissions (7):

Ambry Genetics
Classification: Uncertain significance for Hereditary cancer-predisposing syndrome. Last evaluated: 2024-05-29. Review status: criteria provided, single submitter. Criteria: Ambry Variant Classification Scheme 2023. Collection method: clinical testing. Allele origin: germline.
Comment: The p.N1333K variant (also known as c.3999C>G), located in coding exon 10 of the BRCA2 gene, results from a C to G substitution at nucleotide position 3999. The asparagine at codon 1333 is replaced by lysine, an amino acid with similar properties. This amino acid position is not well conserved in available vertebrate species, and lysine is the reference amino acid in other vertebrate species. In addition, this alteration is predicted to be tolerated by in silico analysis. Since supporting evidence is limited at this time, the clinical significance of this alteration remains unclear.

Labcorp Genetics (formerly Invitae), Labcorp
Classification: Uncertain significance for Hereditary breast ovarian cancer syndrome. Last evaluated: 2024-03-15. Review status: criteria provided, single submitter. Criteria: Invitae Variant Classification Sherloc (09022015). Collection method: clinical testing. Allele origin: germline.
Comment: This sequence change replaces asparagine, which is neutral and polar, with lysine, which is basic and polar, at codon 1333 of the BRCA2 protein (p.Asn1333Lys). This variant is present in population databases (rs80358649, gnomAD 0.004%). This variant has not been reported in the literature in individuals affected with BRCA2-related conditions. ClinVar contains an entry for this variant (Variation ID: 126030). Advanced modeling of protein sequence and biophysical properties (such as structural, functional, and spatial information, amino acid conservation, physicochemical variation, residue mobility, and thermodynamic stability) performed at Invitae indicates that this missense variant is not expected to disrupt BRCA2 protein function with a negative predictive value of 95%. In summary, the available evidence is currently insufficient to determine the role of this variant in disease. Therefore, it has been classified as a Variant of Uncertain Significance.

Fulgent Genetics
Classification: Uncertain significance for Familial cancer of breast; Medulloblastoma; Familial prostate cancer; Wilms tumor 1; Fanconi anemia complementation group D1; Breast-ovarian cancer, familial, susceptibility to, 2; Glioma susceptibility 3; Pancreatic cancer, susceptibility to, 2. Last evaluated: 2024-01-03. Review status: criteria provided, single submitter. Criteria: ACMG Guidelines, 2015. Collection method: clinical testing. Allele origin: germline.

University of Washington Department of Laboratory Medicine, University of Washington
Classification: Likely benign for Hereditary cancer-predisposing syndrome. Last evaluated: 2023-03-23. Review status: criteria provided, single submitter. Criteria: Dines et al. (Genet Med. 2020). Collection method: curation. Allele origin: germline.
Comment: Missense variant in a coldspot region where missense variants are very unlikely to be pathogenic (PMID:31911673).

BRCA2 exon 11 coldspot. Reclassification based on statistical prior probability.

Color Diagnostics, LLC DBA Color Health
Classification: Uncertain significance for Hereditary cancer-predisposing syndrome. Last evaluated: 2019-06-12. Review status: criteria provided, single submitter. Criteria: ACMG Guidelines, 2015. Collection method: clinical testing. Allele origin: germline.

Sharing Clinical Reports Project (SCRP)
Classification: Uncertain significance for Breast-ovarian cancer, familial 2. Last evaluated: 2008-10-07. Review status: no assertion criteria provided. Collection method: clinical testing. Allele origin: germline. Not counted in ClinVar's aggregate classification.

Breast Cancer Information Core (BIC) (BRCA2)
Classification: Uncertain significance for Breast-ovarian cancer, familial 2. Last evaluated: 2003-10-29. Review status: no assertion criteria provided. Collection method: clinical testing. Allele origin: unknown. Affected: yes. Observed: 1 variant allele. Not counted in ClinVar's aggregate classification.

NM_000059.4(BRCA2):c.3999C>G (p.Asn1333Lys)

Gene: BRCA2 (BRCA2 DNA repair associated; plus strand). Cytogenetic location: 13q13.1.
Variant type: single nucleotide variant.
Coding change: c.3999C>G on transcript NM_000059.4 (MANE Select); coding-DNA position 3999, C replaced by G.
Protein change: p.Asn1333Lys; replaces asparagine 1333 with lysine.
Molecular consequence: missense variant.
Genome position (GRCh38, 1-based): chr13:32,338,354, C>G. VCF-style: chr13-32338354-C-G. GRCh37 (hg19) VCF-style: chr13-32912491-C-G.
Other names: N1331K; 4227C>G; short protein forms N1333K.
Identifiers: ClinVar variation 126030 (VCV000126030.19), dbSNP rs80358649, ClinGen allele CA019346.